The following is an entry in ClinVar:

NM_002878.4(RAD51D):c.346-7C>T

Genes: RAD51D (RAD51 paralog D; minus strand), RAD51L3-RFFL (RAD51L3-RFFL readthrough; minus strand). Cytogenetic location: 17q12.
Variant type: single nucleotide variant.
Coding change: c.346-7C>T on transcript NM_002878.4 (MANE Select); 7 bases into the intron before coding-DNA position 346, C replaced by T.
Molecular consequence: intron variant.
Genome position (GRCh38, 1-based): chr17:35,107,129, G>A on the plus strand (C>T on the coding strand, the complement: RAD51D is on the minus strand). VCF-style: chr17-35107129-G-A. GRCh37 (hg19) VCF-style: chr17-33434148-G-A.
Other names: c.145-648C>T (NM_133629.3); c.406-7C>T (NM_001142571.2).
Identifiers: ClinVar variation 416206 (VCV000416206.14), dbSNP rs1060504768, ClinGen allele CA16615607.

ClinVar aggregate classification (germline): Likely benign. Review status: criteria provided, multiple submitters, no conflicts (2 of 4 stars). 3 submissions from 3 submitters: Likely benign (3). Last evaluated 2025-02-21.

Conditions:
Hereditary cancer-predisposing syndrome. Also called: Tumor predisposition; Neoplastic Syndromes, Hereditary; Hereditary neoplastic syndrome; Hereditary Cancer Syndrome. Identifiers: Orphanet 140162, MedGen C0027672, MeSH D009386, MONDO:0015356.
Breast-ovarian cancer, familial, susceptibility to, 4. Identifiers: Orphanet 145, MedGen C3280345, MONDO:0013669, OMIM 614291.

Submissions (3):

Myriad Genetics, Inc.
Classification: Likely benign for Breast-ovarian cancer, familial, susceptibility to, 4. Last evaluated: 2025-02-21. Review status: criteria provided, single submitter. Criteria: Myriad Autosomal Dominant, Autosomal Recessive and X-Linked Classification Criteria (2023). Collection method: clinical testing. Allele origin: unknown.
Comment: This variant is considered likely benign. This variant is intronic and is not expected to impact mRNA splicing.

Labcorp Genetics (formerly Invitae), Labcorp
Classification: Likely benign for Breast-ovarian cancer, familial, susceptibility to, 4. Last evaluated: 2024-11-11. Review status: criteria provided, single submitter. Criteria: Invitae Variant Classification Sherloc (09022015). Collection method: clinical testing. Allele origin: germline.

Color Diagnostics, LLC DBA Color Health
Classification: Likely benign for Hereditary cancer-predisposing syndrome. Last evaluated: 2018-05-03. Review status: criteria provided, single submitter. Criteria: ACMG Guidelines, 2015. Collection method: clinical testing. Allele origin: germline.